The following is an entry in ClinVar:

NM_000548.5(TSC2):c.3817_3820dup (p.Ser1274fs)

Gene: TSC2 (TSC complex subunit 2; plus strand). Cytogenetic location: 16p13.3.
Variant type: Duplication.
Coding change: c.3817_3820dup on transcript NM_000548.5 (MANE Select); coding-DNA positions 3817 to 3820, 4 bases duplicated (GCCT; older notation c.3817_3820dupGCCT).
Protein change: p.Ser1274fs; shifts the reading frame from serine 1274.
Molecular consequence: frameshift variant. On other transcripts: intron variant (6).
Genome position (GRCh38, 1-based): chr16:2,082,438-2,082,441, GCCT duplicated. VCF-style (leftmost placement, unchanged base first): chr16-2082437-G-GGCCT. GRCh37 (hg19) VCF-style: chr16-2132438-G-GGCCT.
Other names: c.3085_3088dup, p.Ser1030fs (NM_001318831.2); c.3685_3688dup, p.Ser1230fs (NM_001370404.1); c.3688_3691dup, p.Ser1231fs (NM_001370405.1, NM_021055.3); c.3814+640_3814+643dup (NM_001114382.3); c.3685+640_3685+643dup (NM_001363528.2); c.3682+640_3682+643dup (NM_001077183.3); c.3574+640_3574+643dup (NM_001318827.2); c.3538+640_3538+643dup (NM_001318829.2); and 1 more; short protein forms S1030fs, S1230fs, S1231fs, S1274fs.
Identifiers: ClinVar variation 422468 (VCV000422468.9), dbSNP rs1555512845, ClinGen allele CA16620097.

ClinVar aggregate classification (germline): Uncertain significance. Review status: criteria provided, multiple submitters, no conflicts (2 of 4 stars). 5 submissions from 5 submitters: Uncertain significance (5). Last evaluated 2025-07-21.

Conditions:
Isolated focal cortical dysplasia type II (FCORD2). Also called: Focal cortical dysplasia type II; CORTICAL DYSPLASIA OF TAYLOR. Identifiers: Orphanet 268994, MedGen C1846385, MONDO:0011818, OMIM 607341, HP:0032051.
Hereditary cancer-predisposing syndrome. Also called: Hereditary neoplastic syndrome; Hereditary Cancer Syndrome; Neoplastic Syndromes, Hereditary; Tumor predisposition. Identifiers: Orphanet 140162, MedGen C0027672, MeSH D009386, MONDO:0015356.
Tuberous sclerosis syndrome (TSC). Also called: Tuberous sclerosis; Tuberous Sclerosis Complex. Identifiers: Orphanet 805, MedGen C0041341, MONDO:0001734.
Tuberous sclerosis 2 (TSC2). Identifiers: Orphanet 805, MedGen C1860707, MONDO:0013199, OMIM 613254.

Allele frequency attached by ClinVar (database versions not stated): gnomAD exomes below 0.00001.

Submissions (5):

Color Diagnostics, LLC DBA Color Health
Classification: Uncertain significance for Tuberous sclerosis syndrome. Last evaluated: 2025-07-21. Review status: criteria provided, single submitter. Criteria: ACMG Guidelines, 2015. Collection method: clinical testing. Allele origin: germline.
Comment: This variant inserts 4 nucleotides in exon 32 of the TSC2 gene, creating a frameshift and premature translation stop signal. This variant is expected to result in a nonsense-mediated mRNA decay. However, this variant occurs in exon 32 that is absent in biologically relevant transcripts (PMID: 26703369). Therefore, the clinical significance of loss of function variants in exon 32 is uncertain. To our knowledge, this variant has not been reported in individuals affected with TSC2-related disorders in the literature. This variant has not been identified in the general population by the Genome Aggregation Database (gnomAD). The available evidence is insufficient to determine the role of this variant in disease conclusively. Therefore, this variant is classified as a Variant of Uncertain Significance.

Labcorp Genetics (formerly Invitae), Labcorp
Classification: Uncertain significance for Tuberous sclerosis 2. Last evaluated: 2025-02-10. Review status: criteria provided, single submitter. Criteria: Invitae Variant Classification Sherloc (09022015). Collection method: clinical testing. Allele origin: germline.
Comment: This sequence change creates a premature translational stop signal (p.Ser1274Cysfs*49) in the TSC2 gene. Loss-of-function variants in TSC2 are known to be pathogenic (PMID: 10205261, 17304050). However, tissue-specific alternative splicing of TSC2 gene results in a functional isoform lacking in-frame exon 32 (also known as exon 31, PMID: 26703369). For this reason the clinical significance of loss of function variants in exon 32 is currently uncertain. This variant is not present in population databases (gnomAD no frequency). This variant has not been reported in the literature in individuals affected with TSC2-related conditions. ClinVar contains an entry for this variant (Variation ID: 422468). In summary, the available evidence is currently insufficient to determine the role of this variant in disease. Therefore, it has been classified as a Variant of Uncertain Significance.

Ambry Genetics
Classification: Uncertain significance for Hereditary cancer-predisposing syndrome. Last evaluated: 2024-11-11. Review status: criteria provided, single submitter. Criteria: Ambry Variant Classification Scheme 2023. Collection method: clinical testing. Allele origin: germline.
Comment: The c.3817_3820dupGCCT variant, located in coding exon 31 of the TSC2 gene, results from a duplication of GCCT at nucleotide position 3817, causing a translational frameshift with a predicted alternate stop codon (p.S1274Cfs*49). This alteration is expected to result in loss of function by premature protein truncation or nonsense-mediated mRNA decay. However, this variant occurs in an exon that is absent in biologically relevant transcripts (Ekong R et al. Hum. Mutat. 2016 Apr; 37:362-70). Based on the available evidence, the clinical significance of this variant remains unclear.

Baylor Genetics
Classification: Uncertain significance for Isolated focal cortical dysplasia type II. Last evaluated: 2023-10-11. Review status: criteria provided, single submitter. Criteria: ACMG Guidelines, 2015. Collection method: clinical testing. Allele origin: unknown.

GeneDx
Classification: Uncertain significance. Last evaluated: 2016-10-13. Review status: criteria provided, single submitter. Criteria: GeneDx Variant Classification (06012015). Collection method: clinical testing. Allele origin: germline. Affected: yes.
Comment: This duplication of four nucleotides in TSC2 is denoted c.3817_3820dupGCCT at the cDNA level and p.Ser1274CysfsX49 (S1274CfsX49) at the protein level. The normal sequence, with the bases that are duplicated in braces, is AGTG[GCCT]CTTT. The duplication is predicted to cause a frameshift which changes a Serine to a Cysteine at codon 1274 within exon 32, and creates a premature stop codon at position 49 of the new reading frame. This variant has not, to our knowledge, been reported in the literature. While this type of variant would typically have clinical significance, given that it is predicted to cause loss of normal protein function through either protein truncation or nonsense-mediated mRNA decay, there is evidence that variants located in exon 32, referred to as exon 31 by alternate numbering, are unlikely to be associated with clinical features of Tuberous Sclerosis (Ekong 2016). Case report data, conservation analysis, functional analysis, and RNA expression analysis demonstrating an abundance of transcripts lacking exon 31 in multiple normal tissue types minimize the significance of variants located in this exon (Maheshwar 1996, Zhang 1999, Ekong 2016). Based on currently available information, it is unclear whether this duplication is a pathogenic variant or a benign variant. We consider it to be a variant of uncertain significance.

Literature cited by the submitters: PubMed 26703369 (cited by Color Diagnostics, LLC DBA Color Health); PubMed 10205261 (cited by Labcorp Genetics (formerly Invitae), Labcorp); PubMed 17304050 (cited by Labcorp Genetics (formerly Invitae), Labcorp).